The following is an entry in ClinVar:

ClinVar aggregate classification (germline): Likely pathogenic (1 of 4 stars; one submission).

Conditions:
Dilated cardiomyopathy 1G (CMD1G). Identifiers: Orphanet 154, MedGen C1858763, MONDO:0011400, OMIM 604145.
Autosomal recessive limb-girdle muscular dystrophy type 2J (LGMDR10). Also called: Limb-girdle muscular dystrophy, type 2J; MUSCULAR DYSTROPHY, LIMB-GIRDLE, AUTOSOMAL RECESSIVE 10. Identifiers: Orphanet 140922, MedGen C1837342, MONDO:0012127, OMIM 608807.

Submission:

Labcorp Genetics (formerly Invitae), Labcorp
Classification: Likely pathogenic for Dilated cardiomyopathy 1G; Autosomal recessive limb-girdle muscular dystrophy type 2J. Last evaluated: 2020-09-24. Review status: criteria provided, single submitter. Criteria: Invitae Variant Classification Sherloc (09022015). Collection method: clinical testing. Allele origin: germline.
Comment: This sequence change results in a premature translational stop signal in the TTN gene (p.Lys22959*). While this is not anticipated to result in nonsense mediated decay, it is expected to create a truncated TTN protein. This variant is not present in population databases (ExAC no frequency). This variant has not been reported in the literature in individuals with TTN-related conditions. This variant is located in the A band of TTN (PMID: 25589632). Truncating variants in this region are significantly overrepresented in patients affected with dilated cardiomyopathy (PMID: 25589632). Truncating variants in this region have also been reported in individuals affected with autosomal recessive centronuclear myopathy (PMID: 23975875). In summary, the currently available evidence indicates that the variant is pathogenic, but additional data are needed to prove that conclusively. Therefore, this variant has been classified as Likely Pathogenic.

Literature cited by the submitters: PubMed 25589632; PubMed 23975875.

NM_001267550.2(TTN):c.68875A>T (p.Lys22959Ter)

Genes: TTN-AS1 (TTN antisense RNA 1; plus strand), TTN (titin; minus strand). Cytogenetic location: 2q31.2.
Variant type: single nucleotide variant.
Coding change: c.68875A>T on transcript NM_001267550.2 (MANE Select); coding-DNA position 68875, A replaced by T.
Protein change: p.Lys22959Ter; replaces lysine 22959 with a stop codon.
Molecular consequence: nonsense.
Genome position (GRCh38, 1-based): chr2:178,577,460, T>A on the plus strand (A>T on the coding strand, the complement: TTN is on the minus strand). VCF-style: chr2-178577460-T-A. GRCh37 (hg19) VCF-style: chr2-179442187-T-A.
Other names: c.63952A>T, p.Lys21318Ter (NM_001256850.1); c.41680A>T, p.Lys13894Ter (NM_003319.4); c.61171A>T, p.Lys20391Ter (NM_133378.4); c.42055A>T, p.Lys14019Ter (NM_133432.3); c.42256A>T, p.Lys14086Ter (NM_133437.4); short protein forms K13894*, K14019*, K14086*, K20391*, K21318*, K22959*.
Identifiers: ClinVar variation 1067560 (VCV001067560.9), dbSNP rs2154173767, ClinGen allele CA349670967.